The following is an entry in ClinVar:

NM_015122.3(FCHO1):c.2608G>A (p.Gly870Ser)

Gene: FCHO1 (FCH and mu domain containing endocytic adaptor 1; plus strand). Cytogenetic location: 19p13.11.
Variant type: single nucleotide variant.
Coding change: c.2608G>A on transcript NM_015122.3 (MANE Select); coding-DNA position 2608, G replaced by A.
Protein change: p.Gly870Ser; replaces glycine 870 with serine.
Molecular consequence: missense variant. On other transcripts: non-coding transcript variant (36).
Genome position (GRCh38, 1-based): chr19:17,787,807, G>A. VCF-style: chr19-17787807-G-A. GRCh37 (hg19) VCF-style: chr19-17898616-G-A.
Other names: c.2608G>A, p.Gly870Ser (NM_001161357.2, NM_001161358.2, NM_001384370.1 and 11 more transcripts); c.2458G>A, p.Gly820Ser (NM_001161359.2, NM_001384384.1, NM_001384385.1 and 1 more transcripts); c.2587G>A, p.Gly863Ser (NM_001384387.1); c.2569G>A, p.Gly857Ser (NM_001384388.1, NM_001384389.1); c.2533G>A, p.Gly845Ser (NM_001384390.1); c.2408G>A, p.Arg803Gln (NM_001384391.1); c.2491G>A, p.Gly831Ser (NM_001384392.1, NM_001384393.1, NM_001384394.1 and 1 more transcripts); c.2332G>A, p.Gly778Ser (NM_001384396.1, NM_001384397.1, NM_001384398.1 and 4 more transcripts); and 5 more; short protein forms G569S, G746S, G763S, G778S, G820S, G831S, G845S, G857S.
Identifiers: ClinVar variation 2420086 (VCV002420086.3), dbSNP rs777912251, ClinGen allele CA9300936.

ClinVar aggregate classification (germline): Uncertain significance (1 of 4 stars; one submission).

Allele frequency attached by ClinVar (database versions not stated): ExAC 0.00001.

Submission:

Labcorp Genetics (formerly Invitae), Labcorp
Classification: Uncertain significance. Last evaluated: 2024-07-24. Review status: criteria provided, single submitter. Criteria: Invitae Variant Classification Sherloc (09022015). Collection method: clinical testing. Allele origin: germline.
Comment: This sequence change replaces glycine, which is neutral and non-polar, with serine, which is neutral and polar, at codon 870 of the FCHO1 protein (p.Gly870Ser). This variant is present in population databases (rs777912251, gnomAD 0.003%). This variant has not been reported in the literature in individuals affected with FCHO1-related conditions. ClinVar contains an entry for this variant (Variation ID: 2420086). An algorithm developed to predict the effect of missense changes on protein structure and function (PolyPhen-2) suggests that this variant¬†is likely to be tolerated. In summary, the available evidence is currently insufficient to determine the role of this variant in disease. Therefore, it has been classified as a Variant of Uncertain Significance.